The following is an entry in ClinVar:

NM_145290.4(ADGRA3):c.1912C>T (p.Leu638Phe)

Gene: ADGRA3 (adhesion G protein-coupled receptor A3; minus strand). Cytogenetic location: 4p15.2.
Variant type: single nucleotide variant.
Coding change: c.1912C>T on transcript NM_145290.4 (MANE Select); coding-DNA position 1912, C replaced by T.
Protein change: p.Leu638Phe; replaces leucine 638 with phenylalanine.
Molecular consequence: missense variant.
Genome position (GRCh38, 1-based): chr4:22,413,712, G>A on the plus strand (C>T on the coding strand, the complement: ADGRA3 is on the minus strand). VCF-style: chr4-22413712-G-A. GRCh37 (hg19) VCF-style: chr4-22415335-G-A.
Other names: short protein forms L638F.
Identifiers: ClinVar variation 4760378 (VCV004760378.1).
Genomic context (GRCh38, chr4:22,413,712, plus strand): 5'-CAGCCAAATTTGTTGAATTTCCAGTGGCTGGAAAAAGCTTTCCATTGCGGAATGCAATGA[G>A]TTGAAGCTTGTAAAGAGAGTCATCAGTTGGTCTGAGTTCTCTTTTTTGCTTTGGTGAGAA-3'
Protein context (NP_660333.2, residues 628-648): PTDDSLYKLQ[Leu638Phe]IAFRNGKLFP

ClinVar aggregate classification (germline): Uncertain significance (1 of 4 stars; one submission).

gnomAD v4.1: 3 of 1,613,718 alleles (0.00019%); highest among the groups gnomAD compares: African/African-American, 0.0013%; no homozygotes.

Submission:

Labcorp Genetics (formerly Invitae), Labcorp
Classification: Uncertain significance. Last evaluated: 2025-07-30. Review status: criteria provided, single submitter. Criteria: Invitae Variant Classification Sherloc (09022015). Collection method: clinical testing. Allele origin: germline.
Comment: This sequence change replaces leucine, which is neutral and non-polar, with phenylalanine, which is neutral and non-polar, at codon 638 of the ADGRA3 protein (p.Leu638Phe). This variant is present in population databases (no rsID available, gnomAD 0.01%). This variant has not been reported in the literature in individuals affected with ADGRA3-related conditions. An algorithm developed to predict the effect of missense changes on protein structure and function (PolyPhen-2) suggests that this variant is likely to be disruptive. In summary, the available evidence is currently insufficient to determine the role of this variant in disease. Therefore, it has been classified as a Variant of Uncertain Significance.